The following is an entry in ClinVar:

ClinVar aggregate classification (germline): Uncertain significance. Review status: criteria provided, single submitter (1 of 4 stars). 2 submissions from 2 submitters: Uncertain significance (1). 1 of the submissions does not count toward it. Last evaluated 2023-11-14.

Conditions:
PLXNA2-related disorder. Also called: PLXNA2-related condition.

Allele frequency attached by ClinVar (database versions not stated): gnomAD 0.00003; TOPMed 0.00008.
gnomAD v4.1: 13 of 1,614,030 alleles (0.00081%); highest among the groups gnomAD compares: Admixed American, 0.01%; no homozygotes.

Submissions (2):

Ambry Genetics
Classification: Uncertain significance. Last evaluated: 2023-11-14. Review status: criteria provided, single submitter. Criteria: Ambry Variant Classification Scheme 2023. Collection method: clinical testing. Allele origin: germline.

PreventionGenetics, part of Exact Sciences
Classification: Uncertain significance for PLXNA2-related condition. Last evaluated: 2024-02-23. Review status: no assertion criteria provided. Collection method: clinical testing. Allele origin: germline. Not counted in ClinVar's aggregate classification.
Comment: The PLXNA2 c.1079T>G variant is predicted to result in the amino acid substitution p.Ile360Ser. To our knowledge, this variant has not been reported in the literature or in a large population database, indicating this variant is rare. At this time, the clinical significance of this variant is uncertain due to the absence of conclusive functional and genetic evidence.

NM_025179.4(PLXNA2):c.1079T>G (p.Ile360Ser)

Gene: PLXNA2 (plexin A2; minus strand). Cytogenetic location: 1q32.2.
Variant type: single nucleotide variant.
Coding change: c.1079T>G on transcript NM_025179.4 (MANE Select); coding-DNA position 1079, T replaced by G.
Protein change: p.Ile360Ser; replaces isoleucine 360 with serine.
Molecular consequence: missense variant.
Genome position (GRCh38, 1-based): chr1:208,216,844, A>C on the plus strand (T>G on the coding strand, the complement: PLXNA2 is on the minus strand). VCF-style: chr1-208216844-A-C. GRCh37 (hg19) VCF-style: chr1-208390189-A-C.
Other names: short protein forms I360S.
Identifiers: ClinVar variation 2628552 (VCV002628552.4), dbSNP rs1028092979, ClinGen allele CA36725460.